The following is an entry in ClinVar:

NM_002351.5(SH2D1A):c.76G>T (p.Asp26Tyr)

Gene: SH2D1A (SH2 domain containing 1A; plus strand). Cytogenetic location: Xq25.
Variant type: single nucleotide variant.
Coding change: c.76G>T on transcript NM_002351.5 (MANE Select); coding-DNA position 76, G replaced by T.
Protein change: p.Asp26Tyr; replaces aspartic acid 26 with tyrosine.
Molecular consequence: missense variant.
Genome position (GRCh38, 1-based): chrX:124,346,718, G>T. VCF-style: chrX-124346718-G-T. GRCh37 (hg19) VCF-style: chrX-123480568-G-T.
Other names: c.76G>T, p.Asp26Tyr (NM_001114937.3); short protein forms D26Y.
Identifiers: ClinVar variation 4875437 (VCV004875437.2).

ClinVar aggregate classification (germline): Uncertain significance (1 of 4 stars; one submission).

Submission:

CeGaT Center for Human Genetics Tuebingen
Classification: Uncertain significance. Last evaluated: 2026-08-01. Review status: criteria provided, single submitter. Criteria: CeGaT Center For Human Genetics Tuebingen Variant Classification Criteria Version 2. Collection method: clinical testing. Allele origin: germline. Affected: yes. Observed: 2 variant alleles.
Comment: SH2D1A: PM2, PP3